The following is an entry in ClinVar:

NM_000551.4(VHL):c.183C>T (p.Pro61=)

Gene: VHL (von Hippel-Lindau tumor suppressor; plus strand). Cytogenetic location: 3p25.3.
Variant type: single nucleotide variant.
Coding change: c.183C>T on transcript NM_000551.4 (MANE Select); coding-DNA position 183, C replaced by T.
Protein change: p.Pro61=; no amino-acid change (proline 61 retained).
Molecular consequence: synonymous variant.
Genome position (GRCh38, 1-based): chr3:10,142,030, C>T. VCF-style: chr3-10142030-C-T. GRCh37 (hg19) VCF-style: chr3-10183714-C-T.
Other names: c.183C>T, p.Pro61= (NM_001354723.2, NM_198156.3).
Identifiers: ClinVar variation 379039 (VCV000379039.21), dbSNP rs63650860, ClinGen allele CA039705.

ClinVar aggregate classification (germline): Benign/Likely benign. Review status: criteria provided, multiple submitters, no conflicts (2 of 4 stars). 8 submissions from 8 submitters: Benign (2); Likely benign (5). 1 of the submissions does not count toward it. Last evaluated 2026-01-04.

Conditions:
Chuvash polycythemia. Also called: POLYCYTHEMIA, VHL-DEPENDENT. Identifiers: Orphanet 238557, MedGen C1837915, MONDO:0009892, OMIM 263400.
Von Hippel-Lindau syndrome (VHLS). Also called: von Hippel–Lindau syndrome; Von Hippel-Lindau; VHL syndrome. Identifiers: Orphanet 892, MedGen C0019562, MONDO:0008667, OMIM 193300. Disease mechanism: loss of function.
Hereditary cancer-predisposing syndrome. Also called: Neoplastic Syndromes, Hereditary; Tumor predisposition; Hereditary Cancer Syndrome; Hereditary neoplastic syndrome. Identifiers: Orphanet 140162, MedGen C0027672, MeSH D009386, MONDO:0015356.
VHL-related disorder. Also called: VHL-related condition.

Allele frequency attached by ClinVar (database versions not stated): TOPMed 0.00001.
gnomAD v4.1: 6 of 1,598,606 alleles (0.00038%); highest among the groups gnomAD compares: Admixed American, 0.0034%; no homozygotes.

Submissions (8):

Labcorp Genetics (formerly Invitae), Labcorp
Classification: Benign for Von Hippel-Lindau syndrome; Chuvash polycythemia. Last evaluated: 2026-01-04. Review status: criteria provided, single submitter. Criteria: Invitae Variant Classification Sherloc (09022015). Collection method: clinical testing. Allele origin: germline.

Myriad Genetics, Inc.
Classification: Benign for Von Hippel-Lindau syndrome. Last evaluated: 2025-06-10. Review status: criteria provided, single submitter. Criteria: Myriad Autosomal Dominant, Autosomal Recessive and X-Linked Classification Criteria (2023). Collection method: clinical testing. Allele origin: unknown.
Comment: This variant is considered benign. This variant is a silent/synonymous amino acid change and it is not expected to impact splicing.

Women's Health and Genetics/Laboratory Corporation of America, LabCorp
Classification: Likely benign. Last evaluated: 2024-12-06. Review status: criteria provided, single submitter. Criteria: LabCorp Variant Classification Summary - May 2015. Collection method: clinical testing. Allele origin: germline.

Blueprint Genetics
Classification: Likely benign. Last evaluated: 2022-08-16. Review status: criteria provided, single submitter. Criteria: ACMG Guidelines, 2015. Collection method: clinical testing. Allele origin: germline.

Sema4
Classification: Likely benign for Hereditary cancer-predisposing syndrome. Last evaluated: 2022-01-01. Review status: criteria provided, single submitter. Criteria: Sema4 Curation Guidelines. Collection method: curation. Allele origin: germline.

Ambry Genetics
Classification: Likely benign for Hereditary cancer-predisposing syndrome. Last evaluated: 2016-08-05. Review status: criteria provided, single submitter. Criteria: Ambry Variant Classification Scheme 2023. Collection method: clinical testing. Allele origin: germline.

GeneDx
Classification: Likely benign. Last evaluated: 2016-07-28. Review status: criteria provided, single submitter. Criteria: GeneDx Variant Classification (06012015). Collection method: clinical testing. Allele origin: germline. Affected: yes.
Comment: This variant is considered likely benign or benign based on one or more of the following criteria: it is a conservative change, it occurs at a poorly conserved position in the protein, it is predicted to be benign by multiple in silico algorithms, and/or has population frequency not consistent with disease.

PreventionGenetics, part of Exact Sciences
Classification: Likely benign for VHL-related condition. Last evaluated: 2024-08-26. Review status: no assertion criteria provided. Collection method: clinical testing. Allele origin: germline. Not counted in ClinVar's aggregate classification.
Comment: This variant is classified as likely benign based on ACMG/AMP sequence variant interpretation guidelines (Richards et al. 2015 PMID: 25741868, with internal and published modifications).

Literature cited by the submitters: PubMed 15932632 (cited by Sema4 and Ambry Genetics).